The following is an entry in ClinVar:

NM_005359.6(SMAD4):c.55A>G (p.Ile19Val)

Gene: SMAD4 (SMAD family member 4; plus strand). Cytogenetic location: 18q21.2.
Variant type: single nucleotide variant.
Coding change: c.55A>G on transcript NM_005359.6 (MANE Select); coding-DNA position 55, A replaced by G.
Protein change: p.Ile19Val; replaces isoleucine 19 with valine.
Molecular consequence: missense variant.
Genome position (GRCh38, 1-based): chr18:51,047,101, A>G. VCF-style: chr18-51047101-A-G. GRCh37 (hg19) VCF-style: chr18-48573471-A-G.
Other names: short protein forms I19V.
Identifiers: ClinVar variation 629953 (VCV000629953.14), dbSNP rs1568202964, ClinGen allele CA402457410.

ClinVar aggregate classification (germline): Uncertain significance. Review status: criteria provided, multiple submitters, no conflicts (2 of 4 stars). 3 submissions from 3 submitters: Uncertain significance (3). Last evaluated 2025-03-31.

Conditions:
Familial thoracic aortic aneurysm and aortic dissection (TAAD). Also called: Thoracic aortic aneurysms and dissections. Identifiers: Orphanet 91387, MedGen C4707243, MONDO:0019625.
Hereditary cancer-predisposing syndrome. Also called: Tumor predisposition; Neoplastic Syndromes, Hereditary; Hereditary Cancer Syndrome; Hereditary neoplastic syndrome. Identifiers: Orphanet 140162, MedGen C0027672, MeSH D009386, MONDO:0015356.
Juvenile polyposis syndrome (JPS). Identifiers: Orphanet 2929, MedGen C0345893, MONDO:0017380, OMIM 174900.

Submissions (3):

Labcorp Genetics (formerly Invitae), Labcorp
Classification: Uncertain significance for Juvenile polyposis syndrome. Last evaluated: 2025-03-31. Review status: criteria provided, single submitter. Criteria: Invitae Variant Classification Sherloc (09022015). Collection method: clinical testing. Allele origin: germline.
Comment: This sequence change replaces isoleucine, which is neutral and non-polar, with valine, which is neutral and non-polar, at codon 19 of the SMAD4 protein (p.Ile19Val). This variant is not present in population databases (gnomAD no frequency). This variant has not been reported in the literature in individuals affected with SMAD4-related conditions. ClinVar contains an entry for this variant (Variation ID: 629953). Invitae Evidence Modeling of protein sequence and biophysical properties (such as structural, functional, and spatial information, amino acid conservation, physicochemical variation, residue mobility, and thermodynamic stability) has been performed for this missense variant. However, the output from this modeling did not meet the statistical confidence thresholds required to predict the impact of this variant on SMAD4 protein function. In summary, the available evidence is currently insufficient to determine the role of this variant in disease. Therefore, it has been classified as a Variant of Uncertain Significance.

Color Diagnostics, LLC DBA Color Health
Classification: Uncertain significance for Hereditary cancer-predisposing syndrome. Last evaluated: 2023-12-04. Review status: criteria provided, single submitter. Criteria: ACMG Guidelines, 2015. Collection method: clinical testing. Allele origin: germline.
Comment: This missense variant replaces isoleucine with valine at codon 19 of the SMAD4 protein. Computational prediction suggests that this variant may not impact protein structure and function (internally defined REVEL score threshold <= 0.5, PMID: 27666373). To our knowledge, functional studies have not been reported for this variant. This variant has not been reported in individuals affected with SMAD4-related disorders in the literature. This variant has not been identified in the general population by the Genome Aggregation Database (gnomAD). The available evidence is insufficient to determine the role of this variant in disease conclusively. Therefore, this variant is classified as a Variant of Uncertain Significance.

Ambry Genetics
Classification: Uncertain significance for Hereditary cancer-predisposing syndrome; Familial thoracic aortic aneurysm and aortic dissection. Last evaluated: 2022-03-04. Review status: criteria provided, single submitter. Criteria: Ambry Variant Classification Scheme 2023. Collection method: clinical testing. Allele origin: germline.
Comment: The p.I19V variant (also known as c.55A>G), located in coding exon 1 of the SMAD4 gene, results from an A to G substitution at nucleotide position 55. The isoleucine at codon 19 is replaced by valine, an amino acid with highly similar properties. This amino acid position is conserved. In addition, the in silico prediction for this alteration is inconclusive. Since supporting evidence is limited at this time, the clinical significance of this alteration remains unclear.